The following is an entry in ClinVar:

NM_004369.4(COL6A3):c.1762G>A (p.Asp588Asn)

Gene: COL6A3 (collagen type VI alpha 3 chain; minus strand). Cytogenetic location: 2q37.3.
Variant type: single nucleotide variant.
Coding change: c.1762G>A on transcript NM_004369.4 (MANE Select); coding-DNA position 1762, G replaced by A.
Protein change: p.Asp588Asn; replaces aspartic acid 588 with asparagine.
Molecular consequence: missense variant.
Genome position (GRCh38, 1-based): chr2:237,381,050, C>T on the plus strand (G>A on the coding strand, the complement: COL6A3 is on the minus strand). VCF-style: chr2-237381050-C-T. GRCh37 (hg19) VCF-style: chr2-238289693-C-T.
Other names: c.541G>A, p.Asp181Asn (NM_057164.5, NM_057166.5); c.1144G>A, p.Asp382Asn (NM_057165.5, NM_057167.4); short protein forms D588N, D181N, D382N.
Identifiers: ClinVar variation 286490 (VCV000286490.29), dbSNP rs886043408, ClinGen allele CA10605485.

ClinVar aggregate classification (germline): Uncertain significance. Review status: criteria provided, multiple submitters, no conflicts (2 of 4 stars). 4 submissions from 4 submitters: Uncertain significance (4). Last evaluated 2023-08-04.

Conditions:
Dystonia 27 (DYT27). Identifiers: Orphanet 464440, MedGen C4225336, MONDO:0014627, OMIM 616411.
Bethlem myopathy 1A. Also called: Bethlem Muscular Dystrophy; MYOPATHY, BENIGN CONGENITAL, WITH CONTRACTURES; Bethlem myopathy 1. Identifiers: Orphanet 610, MedGen CN029274, MONDO:0024530, OMIM 158810.

Allele frequency attached by ClinVar (database versions not stated): gnomAD 0.00001; gnomAD exomes 0.00001; TOPMed 0.00001.
gnomAD v4.1: 41 of 1,614,078 alleles (0.0025%); highest among the groups gnomAD compares: Middle Eastern, 0.016%; no homozygotes.

Submissions (4):

Labcorp Genetics (formerly Invitae), Labcorp
Classification: Uncertain significance for Bethlem myopathy 1A. Last evaluated: 2023-08-04. Review status: criteria provided, single submitter. Criteria: Invitae Variant Classification Sherloc (09022015). Collection method: clinical testing. Allele origin: germline.
Comment: Advanced modeling of protein sequence and biophysical properties (such as structural, functional, and spatial information, amino acid conservation, physicochemical variation, residue mobility, and thermodynamic stability) performed at Invitae indicates that this missense variant is not expected to disrupt COL6A3 protein function. In summary, the available evidence is currently insufficient to determine the role of this variant in disease. Therefore, it has been classified as a Variant of Uncertain Significance. ClinVar contains an entry for this variant (Variation ID: 286490). This missense change has been observed in individual(s) with clinical suspicion of limb-girdle muscular dystrophy (PMID: 30564623). This variant is present in population databases (no rsID available, gnomAD 0.003%). This sequence change replaces aspartic acid, which is acidic and polar, with asparagine, which is neutral and polar, at codon 588 of the COL6A3 protein (p.Asp588Asn).

Department of Neurology, Xijing Hospital, Fourth Military Medical University
Classification: Uncertain significance for Dystonia 27. Last evaluated: 2022-03-01. Review status: criteria provided, single submitter. Criteria: ACMG Guidelines, 2015. Collection method: clinical testing. Allele origin: germline.

Revvity Omics, Revvity
Classification: Uncertain significance. Last evaluated: 2019-04-10. Review status: criteria provided, single submitter. Criteria: ACMG Guidelines, 2015. Collection method: clinical testing. Allele origin: germline.

Eurofins Ntd Llc (ga)
Classification: Uncertain significance. Last evaluated: 2016-02-26. Review status: criteria provided, single submitter. Criteria: EGL Classification Definitions 2015. Collection method: clinical testing. Allele origin: germline. Observed: 2 variant alleles, 2 heterozygotes.

Literature cited by the submitters: PubMed 30564623 (cited by Labcorp Genetics (formerly Invitae), Labcorp).